The following is an entry in ClinVar:

ClinVar aggregate classification (germline): Uncertain significance (1 of 4 stars; one submission).

Submission:

Labcorp Genetics (formerly Invitae), Labcorp
Classification: Uncertain significance. Last evaluated: 2024-03-07. Review status: criteria provided, single submitter. Criteria: Invitae Variant Classification Sherloc (09022015). Collection method: clinical testing. Allele origin: germline.
Comment: This sequence change replaces histidine, which is basic and polar, with glutamine, which is neutral and polar, at codon 686 of the MTOR protein (p.His686Gln). This variant is not present in population databases (gnomAD no frequency). This variant has not been reported in the literature in individuals affected with MTOR-related conditions. ClinVar contains an entry for this variant (Variation ID: 1383186). Advanced modeling of protein sequence and biophysical properties (such as structural, functional, and spatial information, amino acid conservation, physicochemical variation, residue mobility, and thermodynamic stability) performed at Invitae indicates that this missense variant is not expected to disrupt MTOR protein function with a negative predictive value of 95%. In summary, the available evidence is currently insufficient to determine the role of this variant in disease. Therefore, it has been classified as a Variant of Uncertain Significance.

NM_004958.4(MTOR):c.2058C>A (p.His686Gln)

Gene: MTOR (mechanistic target of rapamycin kinase; minus strand). Cytogenetic location: 1p36.22.
Variant type: single nucleotide variant.
Coding change: c.2058C>A on transcript NM_004958.4 (MANE Select); coding-DNA position 2058, C replaced by A.
Protein change: p.His686Gln; replaces histidine 686 with glutamine.
Molecular consequence: missense variant.
Genome position (GRCh38, 1-based): chr1:11,237,993, G>T on the plus strand (C>A on the coding strand, the complement: MTOR is on the minus strand). VCF-style: chr1-11237993-G-T. GRCh37 (hg19) VCF-style: chr1-11298050-G-T.
Other names: c.2058C>A, p.His686Gln (NM_001386500.1); c.810C>A, p.His270Gln (NM_001386501.1); short protein forms H270Q, H686Q.
Identifiers: ClinVar variation 1383186 (VCV001383186.6), dbSNP rs1647437676, ClinGen allele CA338388046.